The following is an entry in ClinVar:

NM_033026.6(PCLO):c.2691G>C (p.Lys897Asn)

Gene: PCLO (piccolo presynaptic cytomatrix protein; minus strand). Cytogenetic location: 7q21.11.
Variant type: single nucleotide variant.
Coding change: c.2691G>C on transcript NM_033026.6 (MANE Select); coding-DNA position 2691, G replaced by C.
Protein change: p.Lys897Asn; replaces lysine 897 with asparagine.
Molecular consequence: missense variant.
Genome position (GRCh38, 1-based): chr7:83,134,859, C>G on the plus strand (G>C on the coding strand, the complement: PCLO is on the minus strand). VCF-style: chr7-83134859-C-G. GRCh37 (hg19) VCF-style: chr7-82764175-C-G.
Other names: c.2691G>C, p.Lys897Asn (NM_014510.3); c.2691G>C (NM_033026.5); short protein forms K897N.
Identifiers: ClinVar variation 1464832 (VCV001464832.5), dbSNP rs199781444, ClinGen allele CA4321221.

ClinVar aggregate classification (germline): Uncertain significance. Review status: criteria provided, multiple submitters, no conflicts (2 of 4 stars). 3 submissions from 3 submitters: Uncertain significance (3). Last evaluated 2025-10-28.

Conditions:
Inborn genetic diseases. Identifiers: MedGen C0950123, MeSH D030342.

Allele frequency attached by ClinVar (database versions not stated): gnomAD 0.00001; gnomAD exomes 0.00001 and 0.00002; TOPMed 0.00002; ExAC 0.00003; 1000 Genomes Project 30x 0.00016.
gnomAD v4.1: 19 of 1,608,840 alleles (0.0012%); highest among the groups gnomAD compares: Admixed American, 0.025%; no homozygotes.

Submissions (3):

Ambry Genetics
Classification: Uncertain significance for Inborn genetic diseases. Last evaluated: 2025-10-28. Review status: criteria provided, single submitter. Criteria: Ambry Variant Classification Scheme 2023. Collection method: clinical testing. Allele origin: germline.

Women's Health and Genetics/Laboratory Corporation of America, LabCorp
Classification: Uncertain significance. Last evaluated: 2024-11-13. Review status: criteria provided, single submitter. Criteria: LabCorp Variant Classification Summary - May 2015. Collection method: clinical testing. Allele origin: germline.
Comment: Variant summary: PCLO c.2691G>C (p.Lys897Asn) results in a non-conservative amino acid change in the encoded protein sequence. Three of five in-silico tools predict a benign effect of the variant on protein function. The variant allele was found at a frequency of 2e-05 in 244292 control chromosomes. The available data on variant occurrences in the general population are insufficient to allow any conclusion about variant significance. To our knowledge, no occurrence of c.2691G>C in individuals affected with Pontocerebellar Hypoplasia Type 3 and no experimental evidence demonstrating its impact on protein function have been reported. ClinVar contains an entry for this variant (Variation ID: 1464832). Based on the evidence outlined above, the variant was classified as uncertain significance.

Labcorp Genetics (formerly Invitae), Labcorp
Classification: Uncertain significance. Last evaluated: 2021-11-06. Review status: criteria provided, single submitter. Criteria: Invitae Variant Classification Sherloc (09022015). Collection method: clinical testing. Allele origin: germline.
Comment: This sequence change replaces lysine, which is basic and polar, with asparagine, which is neutral and polar, at codon 897 of the PCLO protein (p.Lys897Asn). This variant is present in population databases (rs199781444, gnomAD 0.02%). This variant has not been reported in the literature in individuals affected with PCLO-related conditions. Algorithms developed to predict the effect of missense changes on protein structure and function are either unavailable or do not agree on the potential impact of this missense change (SIFT: "Tolerated"; PolyPhen-2: "Not Available"; Align-GVGD: "Class C0"). In summary, the available evidence is currently insufficient to determine the role of this variant in disease. Therefore, it has been classified as a Variant of Uncertain Significance.